The following is an entry in ClinVar:

ClinVar aggregate classification (germline): Uncertain significance. Review status: criteria provided, multiple submitters, no conflicts (2 of 4 stars). 3 submissions from 3 submitters: Uncertain significance (3). Last evaluated 2025-07-01.

Allele frequency attached by ClinVar (database versions not stated): gnomAD exomes 0.00004 and 0.00008; ExAC 0.00007; gnomAD 0.00007; 1000 Genomes Project 30x 0.00016; 1000 Genomes Project 0.00020.
gnomAD v4.1: 72 of 1,612,292 alleles (0.0045%); highest among the groups gnomAD compares: South Asian, 0.023%; no homozygotes.

Submissions (3):

CeGaT Center for Human Genetics Tuebingen
Classification: Uncertain significance. Last evaluated: 2025-07-01. Review status: criteria provided, single submitter. Criteria: CeGaT Center For Human Genetics Tuebingen Variant Classification Criteria Version 2. Collection method: clinical testing. Allele origin: germline. Affected: yes. Observed: 1 variant allele.
Comment: CEP250: PM2:Supporting, BP4

Ambry Genetics
Classification: Uncertain significance. Last evaluated: 2023-12-06. Review status: criteria provided, single submitter. Criteria: Ambry Variant Classification Scheme 2023. Collection method: clinical testing. Allele origin: germline.

Labcorp Genetics (formerly Invitae), Labcorp
Classification: Uncertain significance. Last evaluated: 2022-04-09. Review status: criteria provided, single submitter. Criteria: Invitae Variant Classification Sherloc (09022015). Collection method: clinical testing. Allele origin: germline.
Comment: This sequence change replaces arginine, which is basic and polar, with histidine, which is basic and polar, at codon 488 of the CEP250 protein (p.Arg488His). This variant is present in population databases (rs577762612, gnomAD 0.03%). This variant has not been reported in the literature in individuals affected with CEP250-related conditions. Algorithms developed to predict the effect of missense changes on protein structure and function are either unavailable or do not agree on the potential impact of this missense change (SIFT: "Not Available"; PolyPhen-2: "Probably Damaging"; Align-GVGD: "Not Available"). In summary, the available evidence is currently insufficient to determine the role of this variant in disease. Therefore, it has been classified as a Variant of Uncertain Significance.

NM_007186.6(CEP250):c.1463G>A (p.Arg488His)

Genes: CEP250 (centrosomal protein 250; plus strand), CEP250-AS1 (CEP250 antisense RNA 1; minus strand). Cytogenetic location: 20q11.22.
Variant type: single nucleotide variant.
Coding change: c.1463G>A on transcript NM_007186.6 (MANE Select); coding-DNA position 1463, G replaced by A.
Protein change: p.Arg488His; replaces arginine 488 with histidine.
Molecular consequence: missense variant. On other transcripts: 5 prime UTR variant (1).
Genome position (GRCh38, 1-based): chr20:35,473,944, G>A. VCF-style: chr20-35473944-G-A. GRCh37 (hg19) VCF-style: chr20-34061769-G-A.
Other names: c.-437G>A (NM_001318219.1); c.1463G>A (NM_007186.3); short protein forms R488H.
Identifiers: ClinVar variation 1475792 (VCV001475792.12), dbSNP rs577762612, ClinGen allele CA9832935.